The following is an entry in ClinVar:

ClinVar aggregate classification (germline): Uncertain significance (1 of 4 stars; one submission).

Submission:

GeneDx
Classification: Uncertain significance. Last evaluated: 2026-01-30. Review status: criteria provided, single submitter. Criteria: GeneDx Variant Classification Process June 2021. Collection method: clinical testing. Allele origin: germline. Affected: yes.
Comment: Not observed at significant frequency in large population cohorts (gnomAD); In silico analysis supports that this missense variant has a deleterious effect on protein structure/function; Has not been previously published as pathogenic or benign to our knowledge

NM_001792.5(CDH2):c.2669G>T (p.Trp890Leu)

Genes: CDH2 (cadherin 2; minus strand), CDH2-AS1 (CDH2 antisense RNA 1; plus strand). Cytogenetic location: 18q12.1.
Variant type: single nucleotide variant.
Coding change: c.2669G>T on transcript NM_001792.5 (MANE Select); coding-DNA position 2669, G replaced by T.
Protein change: p.Trp890Leu; replaces tryptophan 890 with leucine.
Molecular consequence: missense variant.
Genome position (GRCh38, 1-based): chr18:27,952,205, C>A on the plus strand (G>T on the coding strand, the complement: CDH2 is on the minus strand). VCF-style: chr18-27952205-C-A. GRCh37 (hg19) VCF-style: chr18-25532169-C-A.
Other names: c.2576G>T, p.Trp859Leu (NM_001308176.2); short protein forms W859L, W890L.
Identifiers: ClinVar variation 1704788 (VCV001704788.3), dbSNP rs2510768344, ClinGen allele CA402101024.